The following is an entry in ClinVar:

ClinVar aggregate classification (germline): Uncertain significance (1 of 4 stars; one submission).

Conditions:
Axenfeld-Rieger syndrome type 3 (RIEG3). Also called: AXENFELD-RIEGER ANOMALY WITH CARDIAC DEFECTS AND/OR SENSORINEURAL HEARING LOSS. Identifiers: Orphanet 782, MedGen C2678503, MONDO:0011233, OMIM 602482.

Submission:

Labcorp Genetics (formerly Invitae), Labcorp
Classification: Uncertain significance for Axenfeld-Rieger syndrome type 3. Last evaluated: 2025-11-17. Review status: criteria provided, single submitter. Criteria: Invitae Variant Classification Sherloc (09022015). Collection method: clinical testing. Allele origin: germline.
Comment: This sequence change replaces serine, which is neutral and polar, with asparagine, which is neutral and polar, at codon 241 of the FOXC1 protein (p.Ser241Asn). Information on the frequency of this variant in the gnomAD database is not available, as this variant may be reported differently in the database. This variant has not been reported in the literature in individuals affected with FOXC1-related conditions. An algorithm developed to predict the effect of missense changes on protein structure and function (PolyPhen-2) suggests that this variant is likely to be disruptive. In summary, the available evidence is currently insufficient to determine the role of this variant in disease. Therefore, it has been classified as a Variant of Uncertain Significance.

NM_001453.3(FOXC1):c.721_722delinsAA (p.Ser241Asn)

Gene: FOXC1 (forkhead box C1; plus strand). Cytogenetic location: 6p25.3.
Variant type: Indel.
Coding change: c.721_722delinsAA on transcript NM_001453.3 (MANE Select); coding-DNA positions 721 to 722, TC replaced by AA.
Protein change: p.Ser241Asn; replaces serine 241 with asparagine.
Molecular consequence: missense variant.
Genome position (GRCh38, 1-based): chr6:1,611,166-1,611,167, TC replaced by AA. VCF-style: chr6-1611166-TC-AA. GRCh37 (hg19) VCF-style: chr6-1611401-TC-AA.
Other names: short protein forms S241N.
Identifiers: ClinVar variation 4731317 (VCV004731317.1).